The following is an entry in ClinVar:

NM_014425.5(INVS):c.2729del (p.Lys910fs)

Gene: INVS (inversin; plus strand). Cytogenetic location: 9q31.1.
Variant type: Deletion.
Coding change: c.2729del on transcript NM_014425.5 (MANE Select); coding-DNA position 2729, one base deleted (A; older notation c.2729delA).
Protein change: p.Lys910fs; shifts the reading frame from lysine 910.
Molecular consequence: frameshift variant. On other transcripts: non-coding transcript variant (1).
Genome position (GRCh38, 1-based): chr9:100,292,986, A deleted; the last of 2 consecutive A bases (chr9:100,292,985-100,292,986); deleting either gives the same sequence. VCF-style (leftmost placement, unchanged base first): chr9-100292984-GA-G. GRCh37 (hg19) VCF-style: chr9-103055266-GA-G.
Other names: c.2441del, p.Lys814fs (NM_001318381.2); c.1751del, p.Lys584fs (NM_001318382.2); short protein forms K584fs, K814fs, K910fs.
Identifiers: ClinVar variation 1074737 (VCV001074737.8), dbSNP rs757019335, ClinGen allele CA5158683.

ClinVar aggregate classification (germline): Pathogenic (1 of 4 stars; one submission).

Conditions:
Nephronophthisis. Also called: Juvenile Nephronophthisis. Identifiers: Orphanet 655, MedGen C0687120, MONDO:0019005, HP:0000090.

Submission:

Labcorp Genetics (formerly Invitae), Labcorp
Classification: Pathogenic for Nephronophthisis. Last evaluated: 2022-07-19. Review status: criteria provided, single submitter. Criteria: Invitae Variant Classification Sherloc (09022015). Collection method: clinical testing. Allele origin: germline.
Comment: This sequence change creates a premature translational stop signal (p.Lys910Argfs*33) in the INVS gene. It is expected to result in an absent or disrupted protein product. Loss-of-function variants in INVS are known to be pathogenic (PMID: 12872123). This variant is present in population databases (rs757019335, gnomAD 0.0009%). This variant has not been reported in the literature in individuals affected with INVS-related conditions. ClinVar contains an entry for this variant (Variation ID: 1074737). For these reasons, this variant has been classified as Pathogenic.

Literature cited by the submitters: PubMed 12872123.